The following is an entry in ClinVar:

NM_032043.3(BRIP1):c.3685A>C (p.Ile1229Leu)

Gene: BRIP1 (BRCA1 interacting DNA helicase 1; minus strand). Cytogenetic location: 17q23.2.
Variant type: single nucleotide variant.
Coding change: c.3685A>C on transcript NM_032043.3 (MANE Select); coding-DNA position 3685, A replaced by C.
Protein change: p.Ile1229Leu; replaces isoleucine 1229 with leucine.
Molecular consequence: missense variant.
Genome position (GRCh38, 1-based): chr17:61,683,361, T>G on the plus strand (A>C on the coding strand, the complement: BRIP1 is on the minus strand). VCF-style: chr17-61683361-T-G. GRCh37 (hg19) VCF-style: chr17-59760722-T-G.
Other names: short protein forms I1229L.
Identifiers: ClinVar variation 2949306 (VCV002949306.3), dbSNP rs2144067628, ClinGen allele CA400477828.

ClinVar aggregate classification (germline): Uncertain significance (1 of 4 stars; one submission).

Conditions:
Fanconi anemia complementation group J. Also called: BRIP1-Related Fanconi Anemia. Identifiers: Orphanet 84, MedGen C1836860, MONDO:0012187, OMIM 609054.
Familial cancer of breast. Also called: BREAST CANCER, FAMILIAL; Hereditary breast cancer; hereditary breast carcinoma. Identifiers: Orphanet 227535, MedGen C0346153, MONDO:0016419, OMIM 114480. Disease mechanism: loss of function.

Submission:

Labcorp Genetics (formerly Invitae), Labcorp
Classification: Uncertain significance for Familial cancer of breast; Fanconi anemia complementation group J. Last evaluated: 2023-11-14. Review status: criteria provided, single submitter. Criteria: Invitae Variant Classification Sherloc (09022015). Collection method: clinical testing. Allele origin: germline.
Comment: This sequence change replaces isoleucine, which is neutral and non-polar, with leucine, which is neutral and non-polar, at codon 1229 of the BRIP1 protein (p.Ile1229Leu). This variant is not present in population databases (gnomAD no frequency). This variant has not been reported in the literature in individuals affected with BRIP1-related conditions. An algorithm developed to predict the effect of missense changes on protein structure and function (PolyPhen-2) suggests that this variant is likely to be tolerated. In summary, the available evidence is currently insufficient to determine the role of this variant in disease. Therefore, it has been classified as a Variant of Uncertain Significance.